The following is an entry in ClinVar:

ClinVar aggregate classification (germline): Uncertain significance (1 of 4 stars; one submission).

Submission:

Labcorp Genetics (formerly Invitae), Labcorp
Classification: Uncertain significance. Last evaluated: 2022-05-30. Review status: criteria provided, single submitter. Criteria: Invitae Variant Classification Sherloc (09022015). Collection method: clinical testing. Allele origin: germline.
Comment: In summary, the available evidence is currently insufficient to determine the role of this variant in disease. Therefore, it has been classified as a Variant of Uncertain Significance. Algorithms developed to predict the effect of missense changes on protein structure and function are either unavailable or do not agree on the potential impact of this missense change (SIFT: "Tolerated"; PolyPhen-2: "Possibly Damaging"; Align-GVGD: "Class C0"). This variant has not been reported in the literature in individuals affected with HK1-related conditions. This variant is not present in population databases (gnomAD no frequency). This sequence change replaces valine, which is neutral and non-polar, with leucine, which is neutral and non-polar, at codon 306 of the HK1 protein (p.Val306Leu).

NM_000188.3(HK1):c.916G>C (p.Val306Leu)

Gene: HK1 (hexokinase 1; plus strand). Cytogenetic location: 10q22.1.
Variant type: single nucleotide variant.
Coding change: c.916G>C on transcript NM_000188.3 (MANE Select); coding-DNA position 916, G replaced by C.
Protein change: p.Val306Leu; replaces valine 306 with leucine.
Molecular consequence: missense variant.
Genome position (GRCh38, 1-based): chr10:69,376,974, G>C. VCF-style: chr10-69376974-G-C. GRCh37 (hg19) VCF-style: chr10-71136730-G-C.
Other names: c.928G>C, p.Val310Leu (NM_001322364.2, NM_001358263.1, NM_033497.3 and 1 more transcripts); c.1021G>C, p.Val341Leu (NM_001322365.2); c.832G>C, p.Val278Leu (NM_001322366.1); c.820G>C, p.Val274Leu (NM_001322367.1); c.913G>C, p.Val305Leu (NM_033496.3); c.880G>C, p.Val294Leu (NM_033500.2); short protein forms V278L, V274L, V294L, V306L, V310L, V305L, V341L.
Identifiers: ClinVar variation 2001188 (VCV002001188.4), dbSNP rs2132855028, ClinGen allele CA376916006.